The following is an entry in ClinVar:

ClinVar aggregate classification (germline): Pathogenic/Likely pathogenic. Review status: criteria provided, multiple submitters, no conflicts (2 of 4 stars). 3 submissions from 3 submitters: Pathogenic (2); Likely pathogenic (1). Last evaluated 2026-06-01.

Conditions:
RDH5-related disorder. Also called: RDH5-related condition.

Submissions (3):

CeGaT Center for Human Genetics Tuebingen
Classification: Pathogenic. Last evaluated: 2026-06-01. Review status: criteria provided, single submitter. Criteria: CeGaT Center For Human Genetics Tuebingen Variant Classification Criteria Version 2. Collection method: clinical testing. Allele origin: germline. Affected: yes. Observed: 1 variant allele.
Comment: RDH5: PVS1, PM2, PM3:Supporting

PreventionGenetics, part of Exact Sciences
Classification: Likely pathogenic for RDH5-related condition. Last evaluated: 2025-03-18. Review status: criteria provided, single submitter. Criteria: ACMG Guidelines, 2015. Collection method: clinical testing. Allele origin: germline.
Comment: The RDH5 c.532_533delTC variant is predicted to result in a frameshift and premature protein termination (p.Ser178Glnfs*9). To our knowledge, this variant has not been reported in the literature. This variant is reported in 0.015% of alleles in individuals of Latino descent in gnomAD. Frameshift variants in RDH5 are expected to be pathogenic. This variant is interpreted as likely pathogenic.

Labcorp Genetics (formerly Invitae), Labcorp
Classification: Pathogenic. Last evaluated: 2024-07-22. Review status: criteria provided, single submitter. Criteria: Invitae Variant Classification Sherloc (09022015). Collection method: clinical testing. Allele origin: germline.
Comment: This sequence change creates a premature translational stop signal (p.Ser178Glnfs*9) in the RDH5 gene. It is expected to result in an absent or disrupted protein product. Loss-of-function variants in RDH5 are known to be pathogenic (PMID: 11675386, 22815624). This variant is present in population databases (no rsID available, gnomAD 0.01%). This variant has not been reported in the literature in individuals affected with RDH5-related conditions. Algorithms developed to predict the effect of sequence changes on RNA splicing suggest that this variant may disrupt the consensus splice site. For these reasons, this variant has been classified as Pathogenic.

Literature cited by the submitters: PubMed 11675386 (cited by Labcorp Genetics (formerly Invitae), Labcorp); PubMed 22815624 (cited by Labcorp Genetics (formerly Invitae), Labcorp).

NM_002905.5(RDH5):c.532_533del (p.Ser178fs)

Genes: BLOC1S1-RDH5 (BLOC1S1-RDH5 readthrough; plus strand), RDH5 (retinol dehydrogenase 5; plus strand). Cytogenetic location: 12q13.2.
Variant type: Microsatellite.
Coding change: c.532_533del on transcript NM_002905.5 (MANE Select); coding-DNA positions 532 to 533, 2 bases deleted (TC; older notation c.532_533delTC).
Protein change: p.Ser178fs; shifts the reading frame from serine 178.
Molecular consequence: frameshift variant. On other transcripts: non-coding transcript variant (1).
Genome position (GRCh38, 1-based): chr12:55,721,910-55,721,911, TC deleted; deleting any 2 consecutive bases within chr12:55,721,908-55,721,911 gives the same sequence; the c. name uses the placement nearest the transcript's 3' end. VCF-style (leftmost placement, unchanged base first): chr12-55721907-GTC-G. GRCh37 (hg19) VCF-style: chr12-56115691-GTC-G.
Other names: c.532_533del, p.Ser178fs (NM_001199771.3); short protein forms S178fs.
Identifiers: ClinVar variation 1448212 (VCV001448212.8), dbSNP rs1359478892, ClinGen allele CA605247213.
Genomic context (GRCh38, chr12:55,721,907, plus strand): 5'-CGGGTGATCAACATCACCAGCGTCCTGGGTCGCCTGGCAGCCAATGGTGGGGGCTACTGT[GTC>G]TCCAAATTTGGCCTGGAGGCCTTCTCTGACAGCCTGAGGTGAGGGGTACAGGGCTCTGGG-3'